The following is an entry in ClinVar:

NM_144670.6(A2ML1):c.355G>C (p.Gly119Arg)

Genes: A2ML1 (alpha-2-macroglobulin like 1; plus strand), A2ML1-AS1 (A2ML1 antisense RNA 1; minus strand). Cytogenetic location: 12p13.31.
Variant type: single nucleotide variant.
Coding change: c.355G>C on transcript NM_144670.6 (MANE Select); coding-DNA position 355, G replaced by C.
Protein change: p.Gly119Arg; replaces glycine 119 with arginine.
Molecular consequence: missense variant.
Genome position (GRCh38, 1-based): chr12:8,823,828, G>C. VCF-style: chr12-8823828-G-C. GRCh37 (hg19) VCF-style: chr12-8976424-G-C.
Other names: short protein forms G119R.
Identifiers: ClinVar variation 5033574 (VCV005033574.1).

ClinVar aggregate classification (germline): Uncertain significance (1 of 4 stars; one submission).

Submission:

Ambry Genetics
Classification: Uncertain significance. Last evaluated: 2026-06-20. Review status: criteria provided, single submitter. Criteria: Ambry Variant Classification Scheme 2023. Collection method: clinical testing. Allele origin: germline.
Comment: The p.G119R variant (also known as c.355G>C), located in coding exon 3 of the A2ML1 gene, results from a G to C substitution at nucleotide position 355. The glycine at codon 119 is replaced by arginine, an amino acid with dissimilar properties. This amino acid position is conserved. In addition, this alteration is predicted to be tolerated by in silico analysis. Based on the available evidence, the clinical significance of this variant remains unclear.